The following is an entry in ClinVar:

ClinVar aggregate classification (germline): Uncertain significance. Review status: criteria provided, multiple submitters, no conflicts (2 of 4 stars). 2 submissions from 2 submitters: Uncertain significance (2). Last evaluated 2025-01-12.

Conditions:
Long QT syndrome (LQTS). Identifiers: MedGen C0023976, MeSH D008133, MONDO:0002442. Disease mechanism: loss of function. Inheritance: Various modes of inheritance.

Allele frequency attached by ClinVar (database versions not stated): gnomAD exomes below 0.00001; gnomAD 0.00001.
gnomAD v4.1: 2 of 1,614,074 alleles (0.00012%); highest among the groups gnomAD compares: Admixed American, 0.0017%; no homozygotes.

Submissions (2):

Labcorp Genetics (formerly Invitae), Labcorp
Classification: Uncertain significance for Long QT syndrome. Last evaluated: 2025-01-12. Review status: criteria provided, single submitter. Criteria: Invitae Variant Classification Sherloc (09022015). Collection method: clinical testing. Allele origin: germline.
Comment: This sequence change replaces serine, which is neutral and polar, with alanine, which is neutral and non-polar, at codon 818 of the KCNH2 protein (p.Ser818Ala). This variant is present in population databases (no rsID available, gnomAD 0.0009%). This variant has not been reported in the literature in individuals affected with KCNH2-related conditions. ClinVar contains an entry for this variant (Variation ID: 3071694). An algorithm developed to predict the effect of missense changes on protein structure and function (PolyPhen-2) suggests that this variant is likely to be tolerated. This variant disrupts the p.Ser818 amino acid residue in KCNH2. Other variant(s) that disrupt this residue have been determined to be pathogenic (PMID: 10086971, 10996323, 16432067, 23158531, 23303164, 26669661). This suggests that this residue is clinically significant, and that variants that disrupt this residue are likely to be disease-causing. In summary, the available evidence is currently insufficient to determine the role of this variant in disease. Therefore, it has been classified as a Variant of Uncertain Significance.

All of Us Research Program, National Institutes of Health
Classification: Uncertain significance for Long QT syndrome. Last evaluated: 2023-06-28. Review status: criteria provided, single submitter. Criteria: ACMG Guidelines, 2015. Collection method: clinical testing. Allele origin: germline. Inheritance: Autosomal dominant inheritance. Observed: 1 variant allele, 1 heterozygote.
Comment: This study involves interpretation of variants in research participants for the purpose of population health screening. Participant phenotype was not available at the time of variant classification. Additional details can be found in publication PMID: 35346344, PMCID: PMC8962531

Literature cited by the submitters: PubMed 10086971 (cited by Labcorp Genetics (formerly Invitae), Labcorp); PubMed 10996323 (cited by Labcorp Genetics (formerly Invitae), Labcorp); PubMed 16432067 (cited by Labcorp Genetics (formerly Invitae), Labcorp); PubMed 23158531 (cited by Labcorp Genetics (formerly Invitae), Labcorp); PubMed 23303164 (cited by Labcorp Genetics (formerly Invitae), Labcorp); PubMed 26669661 (cited by Labcorp Genetics (formerly Invitae), Labcorp).

NM_000238.4(KCNH2):c.2452T>G (p.Ser818Ala)

Gene: KCNH2 (potassium voltage-gated channel subfamily H member 2; minus strand). Cytogenetic location: 7q36.1.
Variant type: single nucleotide variant.
Coding change: c.2452T>G on transcript NM_000238.4 (MANE Select); coding-DNA position 2452, T replaced by G.
Protein change: p.Ser818Ala; replaces serine 818 with alanine.
Molecular consequence: missense variant. On other transcripts: non-coding transcript variant (2).
Genome position (GRCh38, 1-based): chr7:150,948,996, A>C on the plus strand (T>G on the coding strand, the complement: KCNH2 is on the minus strand). VCF-style: chr7-150948996-A-C. GRCh37 (hg19) VCF-style: chr7-150646084-A-C.
Other names: c.2164T>G, p.Ser722Ala (NM_001406753.1); c.1432T>G, p.Ser478Ala (NM_172057.3); short protein forms S478A, S722A, S818A.
Identifiers: ClinVar variation 3071694 (VCV003071694.3), dbSNP rs199473537, ClinGen allele CA369855238.